The following is an entry in ClinVar:

NM_032043.3(BRIP1):c.627+5G>C

Gene: BRIP1 (BRCA1 interacting DNA helicase 1; minus strand). Cytogenetic location: 17q23.2.
Variant type: single nucleotide variant.
Coding change: c.627+5G>C on transcript NM_032043.3 (MANE Select); 5 bases into the intron after coding-DNA position 627, G replaced by C.
Molecular consequence: intron variant.
Genome position (GRCh38, 1-based): chr17:61,847,096, C>G on the plus strand (G>C on the coding strand, the complement: BRIP1 is on the minus strand). VCF-style: chr17-61847096-C-G. GRCh37 (hg19) VCF-style: chr17-59924457-C-G.
Identifiers: ClinVar variation 4786105 (VCV004786105.1).

ClinVar aggregate classification (germline): Uncertain significance (1 of 4 stars; one submission).

Conditions:
Fanconi anemia complementation group J. Also called: BRIP1-Related Fanconi Anemia. Identifiers: Orphanet 84, MedGen C1836860, MONDO:0012187, OMIM 609054.
Familial cancer of breast. Also called: BREAST CANCER, FAMILIAL; Hereditary breast cancer; hereditary breast carcinoma. Identifiers: Orphanet 227535, MedGen C0346153, MONDO:0016419, OMIM 114480. Disease mechanism: loss of function.

Submission:

Labcorp Genetics (formerly Invitae), Labcorp
Classification: Uncertain significance for Familial cancer of breast; Fanconi anemia complementation group J. Last evaluated: 2025-09-10. Review status: criteria provided, single submitter. Criteria: Invitae Variant Classification Sherloc (09022015). Collection method: clinical testing. Allele origin: germline.
Comment: This sequence change falls in intron 6 of the BRIP1 gene. It does not directly change the encoded amino acid sequence of the BRIP1 protein. It affects a nucleotide within the consensus splice site. This variant is not present in population databases (gnomAD no frequency). This variant has been observed in individual(s) with clinical features of Fanconi anemia (internal data). Variants that disrupt the consensus splice site are a relatively common cause of aberrant splicing (PMID: 17576681, 9536098). Algorithms developed to predict the effect of sequence changes on RNA splicing suggest that this variant may disrupt the consensus splice site. In summary, the available evidence is currently insufficient to determine the role of this variant in disease. Therefore, it has been classified as a Variant of Uncertain Significance.

Literature cited by the submitters: PubMed 17576681; PubMed 9536098.